The following is an entry in ClinVar:

NM_000975.5(RPL11):c.505A>G (p.Lys169Glu)

Gene: RPL11 (ribosomal protein L11; plus strand). Cytogenetic location: 1p36.11.
Variant type: single nucleotide variant.
Coding change: c.505A>G on transcript NM_000975.5 (MANE Select); coding-DNA position 505, A replaced by G.
Protein change: p.Lys169Glu; replaces lysine 169 with glutamic acid.
Molecular consequence: missense variant.
Genome position (GRCh38, 1-based): chr1:23,695,906, A>G. VCF-style: chr1-23695906-A-G. GRCh37 (hg19) VCF-style: chr1-24022396-A-G.
Other names: c.502A>G, p.Lys168Glu (NM_001199802.1); short protein forms K168E, K169E.
Identifiers: ClinVar variation 3673494 (VCV003673494.2).
Genomic context (GRCh38, chr1:23,695,906, plus strand): 5'-GGCTGCATTGGGGCCAAACACAGAATCAGCAAAGAGGAGGCCATGCGCTGGTTCCAGCAG[A>G]AGGTAAAGCTGATTTATCTCAAGTGAAGTGGTGGAATGTGATGTTGGTGAATGGAGTTGG-3'
Protein context (NP_000966.2, residues 159-178): KEEAMRWFQQ[Lys169Glu]YDGIILPGK

ClinVar aggregate classification (germline): Uncertain significance (1 of 4 stars; one submission).

Conditions:
Diamond-Blackfan anemia. Also called: Blackfan Diamond syndrome; Aregenerative anemia chronic congenital; Red cell aplasia, pure hereditary; Congenital hypoplastic anemia; Aase syndrome. Identifiers: Orphanet 124, MedGen C1260899, MeSH D029503, MONDO:0015253, HP:0004810.

gnomAD v4.1: 2 of 1,573,926 alleles (0.00013%); highest among the groups gnomAD compares: Admixed American, 0.0037%; no homozygotes.

Submission:

Labcorp Genetics (formerly Invitae), Labcorp
Classification: Uncertain significance for Diamond-Blackfan anemia. Last evaluated: 2024-06-01. Review status: criteria provided, single submitter. Criteria: Invitae Variant Classification Sherloc (09022015). Collection method: clinical testing. Allele origin: germline.
Comment: This sequence change replaces lysine, which is basic and polar, with glutamic acid, which is acidic and polar, at codon 169 of the RPL11 protein (p.Lys169Glu). The frequency data for this variant in the population databases is considered unreliable, as metrics indicate poor data quality at this position in the gnomAD database. This variant has not been reported in the literature in individuals affected with RPL11-related conditions. An algorithm developed to predict the effect of missense changes on protein structure and function (PolyPhen-2) suggests that this variant is likely to be tolerated. In summary, the available evidence is currently insufficient to determine the role of this variant in disease. Therefore, it has been classified as a Variant of Uncertain Significance.